The following is an entry in ClinVar:

ClinVar aggregate classification (germline): Benign (1 of 4 stars; one submission).

Conditions:
Developmental and epileptic encephalopathy 6B. Also called: Developmental and epileptic encephalopathy 6B, non-Dravet. Identifiers: MedGen C5543353, MONDO:0030268, OMIM 619317.

gnomAD v4.1: 1 of 1,605,744 alleles (0.000062%); no homozygotes.

Submission:

Institute of Human Genetics, University of Leipzig Medical Center
Classification: Benign for Developmental and epileptic encephalopathy 6B. Last evaluated: 2022-09-21. Review status: criteria provided, single submitter. Criteria: ACMG Guidelines, 2015. Collection method: clinical testing. Allele origin: maternal.

NM_001165963.4(SCN1A):c.4390G>C (p.Val1464Leu)

Genes: SCN1A (sodium voltage-gated channel alpha subunit 1; minus strand), LOC102724058 (uncharacterized LOC102724058; plus strand). Cytogenetic location: 2q24.3.
Variant type: single nucleotide variant.
Coding change: c.4390G>C on transcript NM_001165963.4 (MANE Select); coding-DNA position 4390, G replaced by C.
Protein change: p.Val1464Leu; replaces valine 1464 with leucine.
Molecular consequence: missense variant. On other transcripts: non-coding transcript variant (1).
Genome position (GRCh38, 1-based): chr2:165,998,124, C>G on the plus strand (G>C on the coding strand, the complement: SCN1A is on the minus strand). VCF-style: chr2-165998124-C-G. GRCh37 (hg19) VCF-style: chr2-166854634-C-G.
Other names: c.4306G>C, p.Val1436Leu (NM_001165964.3, NM_001353957.2, NM_001353958.2); c.4390G>C, p.Val1464Leu (NM_001202435.3, NM_001353948.2); c.4357G>C, p.Val1453Leu (NM_001353949.2, NM_001353950.2, NM_001353951.2 and 2 more transcripts); c.4354G>C, p.Val1452Leu (NM_001353954.2, NM_001353955.2); c.4303G>C, p.Val1435Leu (NM_001353960.2); c.1948G>C, p.Val650Leu (NM_001353961.2); short protein forms V1435L, V1436L, V1452L, V1453L, V1464L, V650L.
Identifiers: ClinVar variation 1707542 (VCV001707542.1), dbSNP rs1690336662, ClinGen allele CA349049399.